The following is an entry in ClinVar:

ClinVar aggregate classification (germline): Likely benign. Review status: criteria provided, single submitter (1 of 4 stars). 2 submissions from 2 submitters: Likely benign (1). 1 of the submissions does not count toward it. Last evaluated 2024-02-22.

Conditions:
SLC5A5-related disorder. Also called: SLC5A5-related condition.

Allele frequency attached by ClinVar (database versions not stated): gnomAD exomes 0.00002; ExAC 0.00007; ESP Exome Variant Server 0.00008; TOPMed 0.00018; gnomAD 0.00019; 1000 Genomes Project 0.00020; 1000 Genomes Project 30x 0.00031.
gnomAD v4.1: 52 of 1,612,318 alleles (0.0032%); highest among the groups gnomAD compares: African/African-American, 0.063%; no homozygotes.

Submissions (2):

Labcorp Genetics (formerly Invitae), Labcorp
Classification: Likely benign. Last evaluated: 2024-02-22. Review status: criteria provided, single submitter. Criteria: Invitae Variant Classification Sherloc (09022015). Collection method: clinical testing. Allele origin: germline.

PreventionGenetics, part of Exact Sciences
Classification: Likely benign for SLC5A5-related condition. Last evaluated: 2019-04-10. Review status: no assertion criteria provided. Collection method: clinical testing. Allele origin: germline. Not counted in ClinVar's aggregate classification.
Comment: This variant is classified as likely benign based on ACMG/AMP sequence variant interpretation guidelines (Richards et al. 2015 PMID: 25741868, with internal and published modifications).

NM_000453.3(SLC5A5):c.375C>T (p.Phe125=)

Gene: SLC5A5 (solute carrier family 5 member 5; plus strand). Cytogenetic location: 19p13.11.
Variant type: single nucleotide variant.
Coding change: c.375C>T on transcript NM_000453.3 (MANE Select); coding-DNA position 375, C replaced by T.
Protein change: p.Phe125=; no amino-acid change (phenylalanine 125 retained).
Molecular consequence: synonymous variant.
Genome position (GRCh38, 1-based): chr19:17,874,155, C>T. VCF-style: chr19-17874155-C-T. GRCh37 (hg19) VCF-style: chr19-17984964-C-T.
Other names: c.375C>T (NM_000453.2).
Identifiers: ClinVar variation 2738456 (VCV002738456.5), dbSNP rs191065502, ClinGen allele CA9302704.